The following is an entry in ClinVar:

NM_032043.3(BRIP1):c.1005G>A (p.Trp335Ter)

Gene: BRIP1 (BRCA1 interacting DNA helicase 1; minus strand). Cytogenetic location: 17q23.2.
Variant type: single nucleotide variant.
Coding change: c.1005G>A on transcript NM_032043.3 (MANE Select); coding-DNA position 1005, G replaced by A.
Protein change: p.Trp335Ter; replaces tryptophan 335 with a stop codon.
Molecular consequence: nonsense.
Genome position (GRCh38, 1-based): chr17:61,801,388, C>T on the plus strand (G>A on the coding strand, the complement: BRIP1 is on the minus strand). VCF-style: chr17-61801388-C-T. GRCh37 (hg19) VCF-style: chr17-59878749-C-T.
Other names: short protein forms W335*.
Identifiers: ClinVar variation 184943 (VCV000184943.5), dbSNP rs786201808, ClinGen allele CA190545.
Genomic context (GRCh38, chr17:61,801,388, plus strand): 5'-GGCTGTGTAATATGGACAGGCCTTTAGTTTCTTCCCCAGGCTGACAAGTTCTTCTATATC[C>T]CAGGCTTTGCACATCCCTTGGAAAGTCTGTAATGTGTGCTGATCACTAATTTTATGAACT-3'

ClinVar aggregate classification (germline): Pathogenic. Review status: criteria provided, multiple submitters, no conflicts (2 of 4 stars). 2 submissions from 2 submitters: Pathogenic (2). Last evaluated 2023-06-01.

Conditions:
Hereditary cancer-predisposing syndrome. Also called: Hereditary neoplastic syndrome; Neoplastic Syndromes, Hereditary; Tumor predisposition; Hereditary Cancer Syndrome. Identifiers: Orphanet 140162, MedGen C0027672, MeSH D009386, MONDO:0015356.
Familial cancer of breast. Also called: BREAST CANCER, FAMILIAL; Hereditary breast cancer; hereditary breast carcinoma. Identifiers: Orphanet 227535, MedGen C0346153, MONDO:0016419, OMIM 114480. Disease mechanism: loss of function.

gnomAD v4.1: 1 of 1,613,890 alleles (0.000062%); highest among the groups gnomAD compares: Non-Finnish European, 0.000085%; no homozygotes.

Submissions (2):

Myriad Genetics, Inc.
Classification: Pathogenic for Familial cancer of breast. Last evaluated: 2023-06-01. Review status: criteria provided, single submitter. Criteria: Myriad Autosomal Dominant, Autosomal Recessive and X-Linked Classification Criteria (2023). Collection method: clinical testing. Allele origin: unknown.
Comment: This variant is considered pathogenic. This variant creates a termination codon and is predicted to result in premature protein truncation.

Ambry Genetics
Classification: Pathogenic for Hereditary cancer-predisposing syndrome. Last evaluated: 2014-05-13. Review status: criteria provided, single submitter. Criteria: Ambry Autosomal Dominant and X-Linked criteria (10/2015). Collection method: clinical testing. Allele origin: germline. Observed: 1 variant allele.
Comment: The p.W335* pathogenic mutation (also known as c.1005G>A) located in coding exon 7 of the BRIP1 gene, results from a G to A substitution at nucleotide position 1005. This changes the amino acid from a to a stop codon within coding exon 7. Since premature stop codons are typically deleterious in nature, this alteration is interpreted as a disease-causing mutation (ACMG Recommendations for Standards for Interpretation and Reporting of Sequence Variations. Revision 2007. Genet Med. 2008;10:294).